The following is an entry in ClinVar:

ClinVar aggregate classification (germline): Uncertain significance (1 of 4 stars; one submission).

Allele frequency attached by ClinVar (database versions not stated): gnomAD 0.00001; TOPMed 0.00002.
gnomAD v4.1: 2 of 1,609,258 alleles (0.00012%); highest among the groups gnomAD compares: African/African-American, 0.0027%; no homozygotes.

Submission:

GeneDx
Classification: Uncertain significance. Last evaluated: 2023-05-02. Review status: criteria provided, single submitter. Criteria: GeneDx Variant Classification Process June 2021. Collection method: clinical testing. Allele origin: germline. Affected: yes.
Comment: Not observed at significant frequency in large population cohorts (gnomAD); In silico analysis supports that this missense variant has a deleterious effect on protein structure/function; Has not been previously published as pathogenic or benign to our knowledge

NM_000443.4(ABCB4):c.2303C>G (p.Thr768Ser)

Gene: ABCB4 (ATP binding cassette subfamily B member 4; minus strand). Cytogenetic location: 7q21.12.
Variant type: single nucleotide variant.
Coding change: c.2303C>G on transcript NM_000443.4 (MANE Select); coding-DNA position 2303, C replaced by G.
Protein change: p.Thr768Ser; replaces threonine 768 with serine.
Molecular consequence: missense variant.
Genome position (GRCh38, 1-based): chr7:87,422,134, G>C on the plus strand (C>G on the coding strand, the complement: ABCB4 is on the minus strand). VCF-style: chr7-87422134-G-C. GRCh37 (hg19) VCF-style: chr7-87051450-G-C.
Other names: c.2303C>G, p.Thr768Ser (NM_018849.3, NM_018850.3); short protein forms T768S.
Identifiers: ClinVar variation 2663075 (VCV002663075.1), dbSNP rs1342582448, ClinGen allele CA368063077.
Genomic context (GRCh38, chr7:87,422,134, plus strand): 5'-TAATTAAATTATAAACTTGATGAGAAAGGCAAATCATGGGTACCTACCTGAAGGAAGAAA[G>C]TAAAAAAAGAAATAATTCCCAGAAATAAGAAAATCAAAGAGAATATGTTGCACTTCTGCT-3'
Protein context (NP_000434.1, residues 758-778): FLFLGIISFF[Thr768Ser]FFLQGFTFGK